The following is an entry in ClinVar:

NM_001177316.2(SLC34A3):c.560+37G>C

Gene: SLC34A3 (solute carrier family 34 member 3; plus strand). Cytogenetic location: 9q34.3.
Variant type: single nucleotide variant.
Coding change: c.560+37G>C on transcript NM_001177316.2 (MANE Select); 37 bases into the intron after coding-DNA position 560, G replaced by C.
Molecular consequence: intron variant.
Genome position (GRCh38, 1-based): chr9:137,233,152, G>C. VCF-style: chr9-137233152-G-C. GRCh37 (hg19) VCF-style: chr9-140127604-G-C.
Other names: c.560+37G>C (NM_001177317.2, NM_080877.3).
Identifiers: ClinVar variation 3060898 (VCV003060898.2), dbSNP rs748899924, ClinGen allele CA5364471.

ClinVar aggregate classification (germline): Likely benign (0 of 4 stars; one submission).

Conditions:
SLC34A3-related disorder. Also called: SLC34A3-related condition.

Allele frequency attached by ClinVar (database versions not stated): ExAC 0.00007.

Submission:

PreventionGenetics, part of Exact Sciences
Classification: Likely benign for SLC34A3-related condition. Last evaluated: 2021-04-07. Review status: no assertion criteria provided. Collection method: clinical testing. Allele origin: germline.
Comment: This variant is classified as likely benign based on ACMG/AMP sequence variant interpretation guidelines (Richards et al. 2015 PMID: 25741868, with internal and published modifications).